The following is an entry in ClinVar:

ClinVar aggregate classification (germline): Likely benign. Review status: criteria provided, multiple submitters, no conflicts (2 of 4 stars). 7 submissions from 7 submitters: Likely benign (6). 1 of the submissions does not count toward it. Last evaluated 2026-02-01.

Conditions:
CR2-related disorder. Also called: CR2-related condition; CR2-related disorders.
Immunodeficiency, common variable, 7. Identifiers: Orphanet 1572, Orphanet 696894, MedGen C3542922, MONDO:0013862, OMIM 614699.

Allele frequency attached by ClinVar (database versions not stated): gnomAD 0.00033 and 0.00044; TOPMed 0.00040; gnomAD exomes 0.00065 and 0.00074; ESP Exome Variant Server 0.00069; ExAC 0.00085; 1000 Genomes Project 30x 0.00094; 1000 Genomes Project 0.00100.
gnomAD v4.1: 1,029 of 1,613,856 alleles (0.064%); highest among the groups gnomAD compares: South Asian, 0.43%; 9 homozygotes.

Submissions (7):

Labcorp Genetics (formerly Invitae), Labcorp
Classification: Likely benign for Immunodeficiency, common variable, 7. Last evaluated: 2026-02-01. Review status: criteria provided, single submitter. Criteria: Invitae Variant Classification Sherloc (09022015). Collection method: clinical testing. Allele origin: germline.

Blueprint Genetics
Classification: Likely benign. Last evaluated: 2024-11-13. Review status: criteria provided, single submitter. Criteria: ACMG Guidelines, 2015. Collection method: clinical testing. Allele origin: germline.

ARUP Laboratories, Molecular Genetics and Genomics, ARUP Laboratories
Classification: Likely benign. Last evaluated: 2024-07-12. Review status: criteria provided, single submitter. Criteria: ARUP Molecular Germline Variant Investigation Process 2024. Collection method: clinical testing. Allele origin: germline.

Genome-Nilou Lab
Classification: Likely benign for Immunodeficiency, common variable, 7. Last evaluated: 2023-04-11. Review status: criteria provided, single submitter. Criteria: ACMG Guidelines, 2015. Collection method: clinical testing. Allele origin: germline. Affected: no.

CeGaT Center for Human Genetics Tuebingen
Classification: Likely benign. Last evaluated: 2020-07-01. Review status: criteria provided, single submitter. Criteria: CeGaT Center For Human Genetics Tuebingen Variant Classification Criteria Version 2. Collection method: clinical testing. Allele origin: germline. Affected: yes. Observed: 2 variant alleles.

Breakthrough Genomics
Classification: Likely benign. Review status: criteria provided, single submitter. Criteria: ACMG Guidelines, 2015. Collection method: not provided. Allele origin: germline. Inheritance: Autosomal recessive inheritance. Affected: yes.

PreventionGenetics, part of Exact Sciences
Classification: Likely benign for CR2-related condition. Last evaluated: 2020-03-13. Review status: no assertion criteria provided. Collection method: clinical testing. Allele origin: germline. Not counted in ClinVar's aggregate classification.
Comment: This variant is classified as likely benign based on ACMG/AMP sequence variant interpretation guidelines (Richards et al. 2015 PMID: 25741868, with internal and published modifications).

NM_001006658.3(CR2):c.2747C>T (p.Thr916Ile)

Gene: CR2 (complement C3d receptor 2; plus strand). Cytogenetic location: 1q32.2.
Variant type: single nucleotide variant.
Coding change: c.2747C>T on transcript NM_001006658.3 (MANE Select); coding-DNA position 2747, C replaced by T.
Protein change: p.Thr916Ile; replaces threonine 916 with isoleucine.
Molecular consequence: missense variant.
Genome position (GRCh38, 1-based): chr1:207,476,264, C>T. VCF-style: chr1-207476264-C-T. GRCh37 (hg19) VCF-style: chr1-207649609-C-T.
Other names: c.2570C>T, p.Thr857Ile (NM_001877.5); short protein forms T857I, T916I.
Identifiers: ClinVar variation 789264 (VCV000789264.55), dbSNP rs61754517, ClinGen allele CA1369057.